The following is an entry in ClinVar:

ClinVar aggregate classification (germline): Uncertain significance. Review status: criteria provided, single submitter (1 of 4 stars). 2 submissions from 2 submitters: Uncertain significance (1). 1 of the submissions does not count toward it. Last evaluated 2022-09-27.

Conditions:
SDCCAG8-related disorder. Also called: SDCCAG8-Related Disorders; SDCCAG8-related condition.
Bardet-Biedl syndrome 16 (BBS16). Identifiers: Orphanet 110, MedGen C3889474, MONDO:0014444, OMIM 615993.
Senior-Loken syndrome 7 (SLSN7). Identifiers: Orphanet 3156, MedGen C3150877, MONDO:0013326, OMIM 613615.

Allele frequency attached by ClinVar (database versions not stated): gnomAD 0.00003; TOPMed 0.00003.
gnomAD v4.1: 84 of 1,613,912 alleles (0.0052%); highest among the groups gnomAD compares: Non-Finnish European, 0.0069%; no homozygotes.

Submissions (2):

Labcorp Genetics (formerly Invitae), Labcorp
Classification: Uncertain significance for Bardet-Biedl syndrome 16; Senior-Loken syndrome 7. Last evaluated: 2022-09-27. Review status: criteria provided, single submitter. Criteria: Invitae Variant Classification Sherloc (09022015). Collection method: clinical testing. Allele origin: germline.
Comment: This variant is present in population databases (rs750763148, gnomAD 0.003%). In summary, the available evidence is currently insufficient to determine the role of this variant in disease. Therefore, it has been classified as a Variant of Uncertain Significance. Advanced modeling of protein sequence and biophysical properties (such as structural, functional, and spatial information, amino acid conservation, physicochemical variation, residue mobility, and thermodynamic stability) performed at Invitae indicates that this missense variant is not expected to disrupt SDCCAG8 protein function. This variant has not been reported in the literature in individuals affected with SDCCAG8-related conditions. This sequence change replaces leucine, which is neutral and non-polar, with methionine, which is neutral and non-polar, at codon 500 of the SDCCAG8 protein (p.Leu500Met).

PreventionGenetics, part of Exact Sciences
Classification: Uncertain significance for SDCCAG8-related condition. Last evaluated: 2024-04-30. Review status: no assertion criteria provided. Collection method: clinical testing. Allele origin: germline. Not counted in ClinVar's aggregate classification.
Comment: The SDCCAG8 c.1498C>A variant is predicted to result in the amino acid substitution p.Leu500Met. To our knowledge, this variant has not been reported in the literature. This variant is reported in 0.0031% of alleles in individuals of European (Non-Finnish) descent in gnomAD. At this time, the clinical significance of this variant is uncertain due to the absence of conclusive functional and genetic evidence.

NM_006642.5(SDCCAG8):c.1498C>A (p.Leu500Met)

Gene: SDCCAG8 (SHH signaling and ciliogenesis regulator SDCCAG8; plus strand). Cytogenetic location: 1q43.
Variant type: single nucleotide variant.
Coding change: c.1498C>A on transcript NM_006642.5 (MANE Select); coding-DNA position 1498, C replaced by A.
Protein change: p.Leu500Met; replaces leucine 500 with methionine.
Molecular consequence: missense variant.
Genome position (GRCh38, 1-based): chr1:243,378,745, C>A. VCF-style: chr1-243378745-C-A. GRCh37 (hg19) VCF-style: chr1-243542047-C-A.
Other names: c.595C>A, p.Leu199Met (NM_001350246.2, NM_001350247.2, NM_001350251.2); c.1594C>A, p.Leu532Met (NM_001350248.2); c.1204C>A, p.Leu402Met (NM_001350249.2); c.1498C>A (NM_006642.3); short protein forms L199M, L500M, L402M, L532M.
Identifiers: ClinVar variation 1927849 (VCV001927849.4), dbSNP rs750763148, ClinGen allele CA1483666.